The following is an entry in ClinVar:

ClinVar aggregate classification (germline): Uncertain significance (1 of 4 stars; one submission).

Allele frequency attached by ClinVar (database versions not stated): gnomAD exomes 0.00003; ExAC 0.00006; 1000 Genomes Project 0.00026; 1000 Genomes Project 30x 0.00042.
gnomAD v4.1: 41 of 1,196,458 alleles (0.0034%); highest among the groups gnomAD compares: Non-Finnish European, 0.0043%; no homozygotes.

Submission:

Labcorp Genetics (formerly Invitae), Labcorp
Classification: Uncertain significance. Last evaluated: 2025-12-23. Review status: criteria provided, single submitter. Criteria: Invitae Variant Classification Sherloc (09022015). Collection method: clinical testing. Allele origin: germline.
Comment: This sequence change replaces glycine, which is neutral and non-polar, with serine, which is neutral and polar, at codon 138 of the CFP protein (p.Gly138Ser). The frequency data for this variant in the population databases is considered unreliable, as metrics indicate poor data quality at this position in the gnomAD database. This variant has not been reported in the literature in individuals affected with CFP-related conditions. ClinVar contains an entry for this variant (Variation ID: 1991793). Invitae Evidence Modeling of protein sequence and biophysical properties (such as structural, functional, and spatial information, amino acid conservation, physicochemical variation, residue mobility, and thermodynamic stability) indicates that this missense variant is not expected to disrupt CFP protein function with a negative predictive value of 80%. In summary, the available evidence is currently insufficient to determine the role of this variant in disease. Therefore, it has been classified as a Variant of Uncertain Significance.

NM_001145252.3(CFP):c.412G>A (p.Gly138Ser)

Gene: CFP (complement factor properdin; minus strand). Cytogenetic location: Xp11.23.
Variant type: single nucleotide variant.
Coding change: c.412G>A on transcript NM_001145252.3 (MANE Select); coding-DNA position 412, G replaced by A.
Protein change: p.Gly138Ser; replaces glycine 138 with serine.
Molecular consequence: missense variant.
Genome position (GRCh38, 1-based): chrX:47,627,633, C>T on the plus strand (G>A on the coding strand, the complement: CFP is on the minus strand). VCF-style: chrX-47627633-C-T. GRCh37 (hg19) VCF-style: chrX-47487032-C-T.
Other names: c.412G>A, p.Gly138Ser (NM_002621.2); short protein forms G138S.
Identifiers: ClinVar variation 1991793 (VCV001991793.4), dbSNP rs771566525, ClinGen allele CA10398959.
Genomic context (GRCh38, chrX:47,627,633, plus strand): 5'-TCCGGGTCCCTTTGGAGCAGGTGACAGAGCAAGGCTCCCAGGGCCCCCAGCCAGACCAGC[C>T]GCCCATCTCTGTGGGAGAGAAGAGAGGGTAATGGGATGGAGGTGGGGTGTCATTCAGGGC-3'
Protein context (NP_001138724.1, residues 128-148): EDQQCCPEMG[Gly138Ser]WSGWGPWEPC